The following is an entry in ClinVar:

NM_172107.4(KCNQ2):c.1016T>C (p.Leu339Pro)

Gene: KCNQ2 (potassium voltage-gated channel subfamily Q member 2; minus strand). Cytogenetic location: 20q13.33.
Variant type: single nucleotide variant.
Coding change: c.1016T>C on transcript NM_172107.4 (MANE Select); coding-DNA position 1016, T replaced by C.
Protein change: p.Leu339Pro; replaces leucine 339 with proline.
Molecular consequence: missense variant.
Genome position (GRCh38, 1-based): chr20:63,438,632, A>G on the plus strand (T>C on the coding strand, the complement: KCNQ2 is on the minus strand). VCF-style: chr20-63438632-A-G. GRCh37 (hg19) VCF-style: chr20-62069985-A-G.
Other names: c.1016T>C, p.Leu339Pro (NM_001382235.1, NM_004518.6, NM_172106.3 and 2 more transcripts); short protein forms L339P.
Identifiers: ClinVar variation 2705566 (VCV002705566.3), dbSNP rs118192217, ClinGen allele CA409652047.

ClinVar aggregate classification (germline): Uncertain significance (1 of 4 stars; one submission).

Conditions:
Early-infantile DEE. Also called: Ohtahara syndrome; Early infantile epileptic encephalopathy with suppression bursts; Early infantile epileptic encephalopathy. Identifiers: Orphanet 1934, MedGen C0393706, MONDO:0800491.

Submission:

Labcorp Genetics (formerly Invitae), Labcorp
Classification: Uncertain significance for Early-infantile DEE. Last evaluated: 2023-08-07. Review status: criteria provided, single submitter. Criteria: Invitae Variant Classification Sherloc (09022015). Collection method: clinical testing. Allele origin: germline.
Comment: This missense change has been observed in individual(s) with benign familial neonatal-infantile seizures (Invitae). This variant is not present in population databases (gnomAD no frequency). This sequence change replaces leucine, which is neutral and non-polar, with proline, which is neutral and non-polar, at codon 339 of the KCNQ2 protein (p.Leu339Pro). Advanced modeling of protein sequence and biophysical properties (such as structural, functional, and spatial information, amino acid conservation, physicochemical variation, residue mobility, and thermodynamic stability) performed at Invitae indicates that this missense variant is expected to disrupt KCNQ2 protein function. This variant disrupts the p.Leu339 amino acid residue in KCNQ2. Other variant(s) that disrupt this residue have been observed in individuals with KCNQ2-related conditions (PMID: 31780880), which suggests that this may be a clinically significant amino acid residue. In summary, the available evidence is currently insufficient to determine the role of this variant in disease. Therefore, it has been classified as a Variant of Uncertain Significance.

Literature cited by the submitters: PubMed 31780880.